The following is an entry in ClinVar:

NM_000548.5(TSC2):c.3473C>T (p.Pro1158Leu)

Gene: TSC2 (TSC complex subunit 2; plus strand). Cytogenetic location: 16p13.3.
Variant type: single nucleotide variant.
Coding change: c.3473C>T on transcript NM_000548.5 (MANE Select); coding-DNA position 3473, C replaced by T.
Protein change: p.Pro1158Leu; replaces proline 1158 with leucine.
Molecular consequence: missense variant.
Genome position (GRCh38, 1-based): chr16:2,080,240, C>T. VCF-style: chr16-2080240-C-T. GRCh37 (hg19) VCF-style: chr16-2130241-C-T.
Other names: c.3341C>T, p.Pro1114Leu (NM_001406665.1, NM_001077183.3, NM_001370404.1); c.3434C>T, p.Pro1145Leu (NM_001406667.1); c.3431C>T, p.Pro1144Leu (NM_001406668.1); c.3362C>T, p.Pro1121Leu (NM_001406670.1); c.3332C>T, p.Pro1111Leu (NM_001406671.1); c.3329C>T, p.Pro1110Leu (NM_001406673.1); c.3326C>T, p.Pro1109Leu (NM_001406675.1); c.3323C>T, p.Pro1108Leu (NM_001406676.1); and 18 more; short protein forms P1065L, P1115L, P1145L, P1078L, P1108L, P1109L, P1111L, P1121L.
Identifiers: ClinVar variation 2100663 (VCV002100663.4), dbSNP rs992338076, ClinGen allele CA394288948.

ClinVar aggregate classification (germline): Uncertain significance (1 of 4 stars; one submission).

Conditions:
Tuberous sclerosis 2 (TSC2). Identifiers: Orphanet 805, MedGen C1860707, MONDO:0013199, OMIM 613254.

Allele frequency attached by ClinVar (database versions not stated): gnomAD exomes below 0.00001.
gnomAD v4.1: 2 of 1,612,964 alleles (0.00012%); highest among the groups gnomAD compares: Non-Finnish European, 0.00017%; no homozygotes.

Submission:

Labcorp Genetics (formerly Invitae), Labcorp
Classification: Uncertain significance for Tuberous sclerosis 2. Last evaluated: 2022-02-20. Review status: criteria provided, single submitter. Criteria: Invitae Variant Classification Sherloc (09022015). Collection method: clinical testing. Allele origin: germline.
Comment: In summary, the available evidence is currently insufficient to determine the role of this variant in disease. Therefore, it has been classified as a Variant of Uncertain Significance. Advanced modeling of protein sequence and biophysical properties (such as structural, functional, and spatial information, amino acid conservation, physicochemical variation, residue mobility, and thermodynamic stability) performed at Invitae indicates that this missense variant is not expected to disrupt TSC2 protein function. This variant has not been reported in the literature in individuals affected with TSC2-related conditions. This variant is not present in population databases (gnomAD no frequency). This sequence change replaces proline, which is neutral and non-polar, with leucine, which is neutral and non-polar, at codon 1158 of the TSC2 protein (p.Pro1158Leu).